The following is an entry in ClinVar:

ClinVar aggregate classification (germline): Uncertain significance (1 of 4 stars; one submission).

Conditions:
SH2B1-related disorder. Also called: SH2B1-related condition.

gnomAD v4.1: 2 of 1,598,494 alleles (0.00013%); highest among the groups gnomAD compares: Non-Finnish European, 0.00017%; no homozygotes.

Submission:

PreventionGenetics, part of Exact Sciences
Classification: Uncertain significance for SH2B1-related condition. Last evaluated: 2026-04-08. Review status: criteria provided, single submitter. Criteria: ACMG Guidelines, 2015. Collection method: clinical testing. Allele origin: germline.
Comment: The SH2B1 c.1966G>A variant is predicted to result in the amino acid substitution p.Gly656Arg. To our knowledge, this variant has not been reported in the literature. This variant is reported in 0.00095% of alleles in individuals of European (Non-Finnish) descent in gnomAD. At this time, the clinical significance of this variant is uncertain due to the absence of conclusive functional and genetic evidence.

NM_001387430.1(SH2B1):c.1966G>A (p.Gly656Arg)

Gene: SH2B1 (SH2B adaptor protein 1; plus strand). Cytogenetic location: 16p11.2.
Variant type: single nucleotide variant.
Coding change: c.1966G>A on transcript NM_001387430.1 (MANE Select); coding-DNA position 1966, G replaced by A.
Protein change: p.Gly656Arg; replaces glycine 656 with arginine.
Molecular consequence: missense variant. On other transcripts: 3 prime UTR variant (5).
Genome position (GRCh38, 1-based): chr16:28,873,515, G>A. VCF-style: chr16-28873515-G-A. GRCh37 (hg19) VCF-style: chr16-28884836-G-A.
Other names: c.1966G>A, p.Gly656Arg (NM_001145795.2, NM_001308293.2, NM_001387404.1); c.*50G>A (NM_001145796.2, NM_001145812.2, NM_001308294.2 and 1 more transcripts); c.*67G>A (NM_001145797.2); short protein forms G656R.
Identifiers: ClinVar variation 4988093 (VCV004988093.1).
Genomic context (GRCh38, chr16:28,873,515, plus strand): 5'-ACCTCCCATGACCCACCCCAGCCCCCTGAACCCCCTTCATGGACAGATCCCCCACAGCCT[G>A]GGGCAGAAGAGGCGTCGAGGGCGCCAGAAGTGGCGGCAGCAGCAGCCGCAGCAGCCAAAG-3'
Protein context (NP_001374359.1, residues 646-666): PPSWTDPPQP[Gly656Arg]AEEASRAPEV